The following is an entry in ClinVar:

ClinVar aggregate classification (germline): Uncertain significance. Review status: criteria provided, multiple submitters, no conflicts (2 of 4 stars). 2 submissions from 2 submitters: Uncertain significance (2). Last evaluated 2022-09-14.

Conditions:
Cardiovascular phenotype. Identifiers: MedGen CN230736.

gnomAD v4.1: 2 of 1,613,972 alleles (0.00012%); highest among the groups gnomAD compares: Non-Finnish European, 0.00017%; no homozygotes.

Submissions (2):

Ambry Genetics
Classification: Uncertain significance for Cardiovascular phenotype. Last evaluated: 2022-09-14. Review status: criteria provided, single submitter. Criteria: Ambry Variant Classification Scheme 2023. Collection method: clinical testing. Allele origin: germline.

GeneDx
Classification: Uncertain significance. Last evaluated: 2019-06-03. Review status: criteria provided, single submitter. Criteria: GeneDx Variant Classification Process June 2021. Collection method: clinical testing. Allele origin: germline. Affected: yes.
Comment: Not observed in large population cohorts (Lek et al., 2016); In silico analysis, which includes protein predictors and evolutionary conservation, supports that this variant does not alter protein structure/function; Has not been previously published as pathogenic or benign to our knowledge

NM_001148.6(ANK2):c.6431T>C (p.Leu2144Ser)

Gene: ANK2 (ankyrin 2; plus strand). Cytogenetic location: 4q26.
Variant type: single nucleotide variant.
Coding change: c.6431T>C on transcript NM_001148.6 (MANE Select); coding-DNA position 6431, T replaced by C.
Protein change: p.Leu2144Ser; replaces leucine 2144 with serine.
Molecular consequence: missense variant. On other transcripts: intron variant (68).
Genome position (GRCh38, 1-based): chr4:113,355,049, T>C. VCF-style: chr4-113355049-T-C. GRCh37 (hg19) VCF-style: chr4-114276205-T-C.
Other names: c.6197T>C, p.Leu2066Ser (NM_001386142.1); c.2831T>C, p.Leu944Ser (NM_001386166.1); c.6572T>C, p.Leu2191Ser (NM_001386174.1); c.6548T>C, p.Leu2183Ser (NM_001386175.1); c.4411+4800T>C (NM_001386186.2, NM_001386148.2); c.4213+4800T>C (NM_001354269.3); c.4291+4800T>C (NM_001386187.2); c.4252+4800T>C (NM_001386147.1); and 35 more; short protein forms L2066S, L2144S, L2183S, L2191S, L944S.
Identifiers: ClinVar variation 1320820 (VCV001320820.4), dbSNP rs2154022426, ClinGen allele CA357923742.